The following is an entry in ClinVar:

NM_000260.4(MYO7A):c.3119C>T (p.Ala1040Val)

Gene: MYO7A (myosin VIIA; plus strand). Cytogenetic location: 11q13.5.
Variant type: single nucleotide variant.
Coding change: c.3119C>T on transcript NM_000260.4 (MANE Select); coding-DNA position 3119, C replaced by T.
Protein change: p.Ala1040Val; replaces alanine 1040 with valine.
Molecular consequence: missense variant.
Genome position (GRCh38, 1-based): chr11:77,182,434, C>T. VCF-style: chr11-77182434-C-T. GRCh37 (hg19) VCF-style: chr11-76893479-C-T.
Other names: c.3119C>T, p.Ala1040Val (NM_001127180.2); c.3086C>T, p.Ala1029Val (NM_001369365.1); short protein forms A1040V, A1029V.
Identifiers: ClinVar variation 1943493 (VCV001943493.5), dbSNP rs143494121, ClinGen allele CA6197993.
Genomic context (GRCh38, chr11:77,182,434, plus strand): 5'-CTTTAGCAATGTCCTCCGCTCTGGCCTCTGACATGCGCGCTCTGCCCCAGGCAGCCCTGG[C>T]GGTCTGGATCACCATCCTCCGCTTCATGGGGGACCTCCCTGAGCCCAAGTACCACACAGC-3'
Protein context (NP_000251.3, residues 1030-1050): DDEGDQLAAL[Ala1040Val]VWITILRFMG

ClinVar aggregate classification (germline): Uncertain significance (1 of 4 stars; one submission).

Allele frequency attached by ClinVar (database versions not stated): TOPMed below 0.00001; gnomAD 0.00003; ExAC 0.00005; 1000 Genomes Project 30x 0.00016; 1000 Genomes Project 0.00020.

Submission:

Labcorp Genetics (formerly Invitae), Labcorp
Classification: Uncertain significance. Last evaluated: 2024-10-29. Review status: criteria provided, single submitter. Criteria: Invitae Variant Classification Sherloc (09022015). Collection method: clinical testing. Allele origin: germline.
Comment: This sequence change replaces alanine, which is neutral and non-polar, with valine, which is neutral and non-polar, at codon 1040 of the MYO7A protein (p.Ala1040Val). This variant is present in population databases (rs143494121, gnomAD 0.006%). This variant has not been reported in the literature in individuals affected with MYO7A-related conditions. ClinVar contains an entry for this variant (Variation ID: 1943493). Invitae Evidence Modeling of protein sequence and biophysical properties (such as structural, functional, and spatial information, amino acid conservation, physicochemical variation, residue mobility, and thermodynamic stability) indicates that this missense variant is not expected to disrupt MYO7A protein function with a negative predictive value of 95%. In summary, the available evidence is currently insufficient to determine the role of this variant in disease. Therefore, it has been classified as a Variant of Uncertain Significance.